The following is an entry in ClinVar:

ClinVar aggregate classification (germline): Uncertain significance (1 of 4 stars; one submission).

Submission:

Labcorp Genetics (formerly Invitae), Labcorp
Classification: Uncertain significance. Last evaluated: 2023-08-27. Review status: criteria provided, single submitter. Criteria: Invitae Variant Classification Sherloc (09022015). Collection method: clinical testing. Allele origin: germline.
Comment: In summary, the available evidence is currently insufficient to determine the role of this variant in disease. Therefore, it has been classified as a Variant of Uncertain Significance. Variants that disrupt the consensus splice site are a relatively common cause of aberrant splicing (PMID: 17576681, 9536098). Algorithms developed to predict the effect of sequence changes on RNA splicing suggest that this variant may disrupt the consensus splice site. This variant has not been reported in the literature in individuals affected with SORL1-related conditions. This variant is not present in population databases (gnomAD no frequency). This sequence change falls in intron 32 of the SORL1 gene. It does not directly change the encoded amino acid sequence of the SORL1 protein. It affects a nucleotide within the consensus splice site.

Literature cited by the submitters: PubMed 17576681; PubMed 9536098.

NM_003105.6(SORL1):c.4519+6T>C

Genes: SORL1 (sortilin related receptor 1; plus strand), LOC126861368 (P300/CBP strongly-dependent group 1 enhancer GRCh37_chr11:121465964-121467163; plus strand). Cytogenetic location: 11q24.1.
Variant type: single nucleotide variant.
Coding change: c.4519+6T>C on transcript NM_003105.6 (MANE Select); 6 bases into the intron after coding-DNA position 4519, T replaced by C.
Molecular consequence: intron variant.
Genome position (GRCh38, 1-based): chr11:121,595,778, T>C. VCF-style: chr11-121595778-T-C. GRCh37 (hg19) VCF-style: chr11-121466487-T-C.
Identifiers: ClinVar variation 2818441 (VCV002818441.3), dbSNP rs1863287224, ClinGen allele CA2004955468.